The following is an entry in ClinVar:

ClinVar aggregate classification (germline): Uncertain significance (1 of 4 stars; one submission).

gnomAD v4.1: 3 of 1,610,688 alleles (0.00019%); highest among the groups gnomAD compares: Non-Finnish European, 0.00025%; no homozygotes.

Submission:

GeneDx
Classification: Uncertain significance. Last evaluated: 2024-05-09. Review status: criteria provided, single submitter. Criteria: GeneDx Variant Classification Process June 2021. Collection method: clinical testing. Allele origin: germline. Affected: yes.
Comment: Not observed at significant frequency in large population cohorts (gnomAD); Nonsense variant predicted to result in protein truncation or nonsense mediated decay in a gene or region of a gene for which loss of function is not a well-established mechanism of disease; Has not been previously published as pathogenic or benign to our knowledge

NM_001378328.1(CELSR1):c.8770C>T (p.Gln2924Ter)

Gene: CELSR1 (cadherin EGF LAG seven-pass G-type receptor 1; minus strand). Cytogenetic location: 22q13.31.
Variant type: single nucleotide variant.
Coding change: c.8770C>T on transcript NM_001378328.1 (MANE Select); coding-DNA position 8770, C replaced by T.
Protein change: p.Gln2924Ter; replaces glutamine 2924 with a stop codon.
Molecular consequence: nonsense.
Genome position (GRCh38, 1-based): chr22:46,364,521, G>A on the plus strand (C>T on the coding strand, the complement: CELSR1 is on the minus strand). VCF-style: chr22-46364521-G-A. GRCh37 (hg19) VCF-style: chr22-46760418-G-A.
Other names: c.8770C>T, p.Gln2924Ter (NM_014246.4); short protein forms Q2924*.
Identifiers: ClinVar variation 3378175 (VCV003378175.1).